The following is an entry in ClinVar:

ClinVar aggregate classification (germline): Uncertain significance. Review status: criteria provided, multiple submitters, no conflicts (2 of 4 stars). 3 submissions from 3 submitters: Uncertain significance (3). Last evaluated 2023-01-01.

Submissions (3):

CeGaT Center for Human Genetics Tuebingen
Classification: Uncertain significance. Last evaluated: 2023-01-01. Review status: criteria provided, single submitter. Criteria: CeGaT Center For Human Genetics Tuebingen Variant Classification Criteria Version 2. Collection method: clinical testing. Allele origin: germline. Affected: yes. Observed: 1 variant allele.
Comment: COL12A1: PM2

GeneDx
Classification: Uncertain significance. Last evaluated: 2021-09-29. Review status: criteria provided, single submitter. Criteria: GeneDx Variant Classification Process June 2021. Collection method: clinical testing. Allele origin: germline. Affected: yes.
Comment: Not observed at significant frequency in large population cohorts (Lek et al., 2016); In silico analysis supports that this missense variant has a deleterious effect on protein structure/function; Has not been previously published as pathogenic or benign to our knowledge

Blueprint Genetics
Classification: Uncertain significance. Last evaluated: 2021-01-15. Review status: criteria provided, single submitter. Criteria: ACMG Guidelines, 2015. Collection method: clinical testing. Allele origin: germline.

NM_004370.6(COL12A1):c.7991T>C (p.Ile2664Thr)

Gene: COL12A1 (collagen type XII alpha 1 chain; minus strand). Cytogenetic location: 6q13.
Variant type: single nucleotide variant.
Coding change: c.7991T>C on transcript NM_004370.6 (MANE Select); coding-DNA position 7991, T replaced by C.
Protein change: p.Ile2664Thr; replaces isoleucine 2664 with threonine.
Molecular consequence: missense variant.
Genome position (GRCh38, 1-based): chr6:75,109,127, A>G on the plus strand (T>C on the coding strand, the complement: COL12A1 is on the minus strand). VCF-style: chr6-75109127-A-G. GRCh37 (hg19) VCF-style: chr6-75818843-A-G.
Other names: c.4499T>C, p.Ile1500Thr (NM_080645.3); short protein forms I1500T, I2664T.
Identifiers: ClinVar variation 1320390 (VCV001320390.27), dbSNP rs1768708384, ClinGen allele CA364741794.